The following is an entry in ClinVar:

ClinVar aggregate classification (germline): Benign/Likely benign. Review status: criteria provided, multiple submitters, no conflicts (2 of 4 stars). 9 submissions from 9 submitters: Benign (1); Likely benign (7). 1 of the submissions does not count toward it. Last evaluated 2026-10-01.

Conditions:
Retinoblastoma (RB1). Also called: RETINOBLASTOMA, SOMATIC. Identifiers: Orphanet 790, MedGen C0035335, MeSH D012175, MONDO:0008380, OMIM 180200, HP:0009919. Disease mechanism: loss of function. Inheritance: Both sporadic and heritable forms are tested..
RB1-related disorder. Also called: RB1-related condition.
Hereditary cancer-predisposing syndrome. Also called: Hereditary neoplastic syndrome; Neoplastic Syndromes, Hereditary; Hereditary Cancer Syndrome; Tumor predisposition. Identifiers: Orphanet 140162, MedGen C0027672, MeSH D009386, MONDO:0015356.

Allele frequency attached by ClinVar (database versions not stated): TOPMed 0.00012; gnomAD 0.00015 and 0.00016; gnomAD exomes 0.00016 and 0.00019; ExAC 0.00023.

Submissions (9):

CeGaT Center for Human Genetics Tuebingen
Classification: Likely benign. Last evaluated: 2026-10-01. Review status: criteria provided, single submitter. Criteria: CeGaT Center For Human Genetics Tuebingen Variant Classification Criteria Version 2. Collection method: clinical testing. Allele origin: germline. Affected: yes. Observed: 1 variant allele.
Comment: RB1: PP3, BS2

Myriad Genetics, Inc.
Classification: Likely benign for Retinoblastoma. Last evaluated: 2026-06-18. Review status: criteria provided, single submitter. Criteria: Myriad Autosomal Dominant, Autosomal Recessive and X-Linked Classification Criteria (2023). Collection method: clinical testing. Allele origin: unknown.
Comment: This variant is considered likely benign. This variant has been observed at a population frequency that is significantly greater than expected given the associated disease prevalence and penetrance.

Labcorp Genetics (formerly Invitae), Labcorp
Classification: Benign for Retinoblastoma. Last evaluated: 2026-01-20. Review status: criteria provided, single submitter. Criteria: Invitae Variant Classification Sherloc (09022015). Collection method: clinical testing. Allele origin: germline.

Blueprint Genetics
Classification: Likely benign. Last evaluated: 2024-09-04. Review status: criteria provided, single submitter. Criteria: ACMG Guidelines, 2015. Collection method: clinical testing. Allele origin: germline.

Color Diagnostics, LLC DBA Color Health
Classification: Likely benign for Retinoblastoma. Last evaluated: 2022-04-22. Review status: criteria provided, single submitter. Criteria: ACMG Guidelines, 2015. Collection method: clinical testing. Allele origin: germline.

Sema4
Classification: Likely benign for Hereditary cancer-predisposing syndrome. Last evaluated: 2020-11-03. Review status: criteria provided, single submitter. Criteria: Sema4 Curation Guidelines. Collection method: curation. Allele origin: germline.

Mendelics
Classification: Likely benign for Retinoblastoma. Last evaluated: 2019-05-28. Review status: criteria provided, single submitter. Criteria: Mendelics Assertion Criteria 2017. Collection method: clinical testing. Allele origin: unknown.

Ambry Genetics
Classification: Likely benign for Hereditary cancer-predisposing syndrome. Last evaluated: 2018-08-10. Review status: criteria provided, single submitter. Criteria: Ambry Variant Classification Scheme 2023. Collection method: clinical testing. Allele origin: germline.

PreventionGenetics, part of Exact Sciences
Classification: Likely benign for RB1-related condition. Last evaluated: 2021-03-02. Review status: no assertion criteria provided. Collection method: clinical testing. Allele origin: germline. Not counted in ClinVar's aggregate classification.
Comment: This variant is classified as likely benign based on ACMG/AMP sequence variant interpretation guidelines (Richards et al. 2015 PMID: 25741868, with internal and published modifications).

NM_000321.3(RB1):c.113G>A (p.Gly38Asp)

Gene: RB1 (RB transcriptional corepressor 1; plus strand). Cytogenetic location: 13q14.2.
Variant type: single nucleotide variant.
Coding change: c.113G>A on transcript NM_000321.3 (MANE Select); coding-DNA position 113, G replaced by A.
Protein change: p.Gly38Asp; replaces glycine 38 with aspartic acid.
Molecular consequence: missense variant.
Genome position (GRCh38, 1-based): chr13:48,304,025, G>A. VCF-style: chr13-48304025-G-A. GRCh37 (hg19) VCF-style: chr13-48878161-G-A.
Other names: short protein forms G38D.
Identifiers: ClinVar variation 410930 (VCV000410930.24), dbSNP rs766529534, ClinGen allele CA027677.